The following is an entry in ClinVar:

NM_006940.6(SOX5):c.1301del (p.Pro434fs)

Gene: SOX5 (SRY-box transcription factor 5; minus strand). Cytogenetic location: 12p12.1.
Variant type: Deletion.
Coding change: c.1301del on transcript NM_006940.6 (MANE Select); coding-DNA position 1301, one base deleted (C; older notation c.1301delC).
Protein change: p.Pro434fs; shifts the reading frame from proline 434.
Molecular consequence: frameshift variant. On other transcripts: intron variant (1).
Genome position (GRCh38, 1-based): chr12:23,575,702, G deleted on the plus strand (C on the coding strand, the reverse complement: SOX5 is on the minus strand); the first of 3 consecutive G bases (chr12:23,575,702-23,575,704); deleting any one gives the same sequence. VCF-style (leftmost placement, unchanged base first): chr12-23575701-TG-T. GRCh37 (hg19) VCF-style: chr12-23728635-TG-T.
Other names: c.1271del, p.Pro424fs (NM_001261415.3); c.1196del, p.Pro399fs (NM_001330785.2); c.1262del, p.Pro421fs (NM_152989.5); c.143del, p.Pro48fs (NM_178010.4); c.1125+28685del (NM_001261414.3); short protein forms P399fs, P421fs, P424fs, P434fs, P48fs.
Identifiers: ClinVar variation 4823296 (VCV004823296.4).
Genomic context (GRCh38, chr12:23,575,701, plus strand): 5'-ACAAAAGAAACAGAACTTACCTATTGTGCTAACTCTGGCTGAAGGACTAGCTAACGCTGC[TG>T]GGACAGAGGCTTTGAGGGGGCCTGCCCCACTGTTTATTCTCAGAGCTGGCATATGGGGAG-3'

ClinVar aggregate classification (germline): Pathogenic (1 of 4 stars; one submission).

Submission:

CeGaT Center for Human Genetics Tuebingen
Classification: Pathogenic. Last evaluated: 2026-02-01. Review status: criteria provided, single submitter. Criteria: CeGaT Center For Human Genetics Tuebingen Variant Classification Criteria Version 2. Collection method: clinical testing. Allele origin: germline. Affected: yes. Observed: 1 variant allele.
Comment: SOX5: PVS1, PM2, PS2:Moderate